The following is an entry in ClinVar:

NM_001127222.2(CACNA1A):c.6493C>A (p.Arg2165Ser)

Gene: CACNA1A (calcium voltage-gated channel subunit alpha1 A; minus strand). Cytogenetic location: 19p13.13.
Variant type: single nucleotide variant.
Coding change: c.6493C>A on transcript NM_001127222.2 (MANE Select); coding-DNA position 6493, C replaced by A.
Protein change: p.Arg2165Ser; replaces arginine 2165 with serine.
Molecular consequence: missense variant.
Genome position (GRCh38, 1-based): chr19:13,209,345, G>T on the plus strand (C>A on the coding strand, the complement: CACNA1A is on the minus strand). VCF-style: chr19-13209345-G-T. GRCh37 (hg19) VCF-style: chr19-13320159-G-T.
Other names: c.6511C>A, p.Arg2171Ser (NM_000068.4, NM_023035.3); c.6496C>A, p.Arg2166Ser (NM_001127221.2); c.6502C>A, p.Arg2168Ser (NM_001174080.2); short protein forms R2165S, R2166S, R2168S, R2171S.
Identifiers: ClinVar variation 3777492 (VCV003777492.1).

ClinVar aggregate classification (germline): Uncertain significance (1 of 4 stars; one submission).

Submission:

GeneDx
Classification: Uncertain significance. Last evaluated: 2024-10-07. Review status: criteria provided, single submitter. Criteria: GeneDx Variant Classification Process June 2021. Collection method: clinical testing. Allele origin: germline. Affected: yes.
Comment: Not observed at significant frequency in large population cohorts (gnomAD); In silico analysis supports that this missense variant has a deleterious effect on protein structure/function; Has not been previously published as pathogenic or benign to our knowledge